The following is an entry in ClinVar:

ClinVar aggregate classification (germline): Uncertain significance. Review status: criteria provided, multiple submitters, no conflicts (2 of 4 stars). 2 submissions from 2 submitters: Uncertain significance (2). Last evaluated 2025-03-04.

Conditions:
Inborn genetic diseases. Identifiers: MedGen C0950123, MeSH D030342.
Baller-Gerold syndrome (BGS). Also called: CRANIOSYNOSTOSIS WITH RADIAL DEFECTS. Identifiers: Orphanet 1225, MedGen C0265308, MONDO:0009039, OMIM 218600.

Submissions (2):

Ambry Genetics
Classification: Uncertain significance for Inborn genetic diseases. Last evaluated: 2025-03-04. Review status: criteria provided, single submitter. Criteria: Ambry Variant Classification Scheme 2023. Collection method: clinical testing. Allele origin: germline.
Comment: The p.S62F variant (also known as c.185C>T), located in coding exon 3 of the RECQL4 gene, results from a C to T substitution at nucleotide position 185. The serine at codon 62 is replaced by phenylalanine, an amino acid with highly dissimilar properties. This amino acid position is conserved. In addition, this alteration is predicted to be tolerated by in silico analysis. Based on the available evidence, the clinical significance of this variant remains unclear.

Labcorp Genetics (formerly Invitae), Labcorp
Classification: Uncertain significance for Baller-Gerold syndrome. Last evaluated: 2022-09-07. Review status: criteria provided, single submitter. Criteria: Invitae Variant Classification Sherloc (09022015). Collection method: clinical testing. Allele origin: germline.
Comment: This variant is not present in population databases (gnomAD no frequency). In summary, the available evidence is currently insufficient to determine the role of this variant in disease. Therefore, it has been classified as a Variant of Uncertain Significance. Experimental studies and prediction algorithms are not available or were not evaluated, and the functional significance of this variant is currently unknown. ClinVar contains an entry for this variant (Variation ID: 1000640). This variant has not been reported in the literature in individuals affected with RECQL4-related conditions. This sequence change replaces serine, which is neutral and polar, with phenylalanine, which is neutral and non-polar, at codon 62 of the RECQL4 protein (p.Ser62Phe).

NM_004260.4(RECQL4):c.185C>T (p.Ser62Phe)

Genes: RECQL4 (RecQ like helicase 4; minus strand), LOC130001411 (ATAC-STARR-seq lymphoblastoid silent region 19699; plus strand). Cytogenetic location: 8q24.3.
Variant type: single nucleotide variant.
Coding change: c.185C>T on transcript NM_004260.4 (MANE Select); coding-DNA position 185, C replaced by T.
Protein change: p.Ser62Phe; replaces serine 62 with phenylalanine.
Molecular consequence: missense variant.
Genome position (GRCh38, 1-based): chr8:144,517,442, G>A on the plus strand (C>T on the coding strand, the complement: RECQL4 is on the minus strand). VCF-style: chr8-144517442-G-A. GRCh37 (hg19) VCF-style: chr8-145742826-G-A.
Other names: c.185C>T (NM_004260.3); short protein forms S62F.
Identifiers: ClinVar variation 1000640 (VCV001000640.6), dbSNP rs1815348340, ClinGen allele CA372692568.
Genomic context (GRCh38, chr8:144,517,442, plus strand): 5'-GGGAGGAGGCTGGGGCGGCGGGGCCTGGGTACCTCTTCGGCCGCCGCGGGGAGCGACTCG[G>A]AGCTGCGGAGCCCGCCGCCGGCCTGGCCCGTGGTACGCTTCAGAGTGCGGTATTCCCGGT-3'
Protein context (NP_004251.4, residues 52-72): TGQAGGGLRS[Ser62Phe]ESLPAAAEEA